The following is an entry in ClinVar:

ClinVar aggregate classification (germline): Conflicting classifications of pathogenicity. Review status: criteria provided, conflicting classifications (1 of 4 stars). 16 submissions from 16 submitters: Uncertain significance (5); Benign (2); Likely benign (5). 4 of the submissions do not count toward it. Last evaluated 2026-04-15.

Conditions:
Inherited breast cancer and ovarian cancer.
BRCA2-related cancer predisposition. Identifiers: MedGen CN377758, MONDO:0700269.
Hereditary cancer. Identifiers: MedGen C1333600.
Hereditary cancer-predisposing syndrome. Also called: Hereditary neoplastic syndrome; Neoplastic Syndromes, Hereditary; Hereditary Cancer Syndrome; Tumor predisposition. Identifiers: Orphanet 140162, MedGen C0027672, MeSH D009386, MONDO:0015356.
Hereditary breast ovarian cancer syndrome. Also called: Breast and ovarian cancer; Hereditary breast and ovarian cancer syndrome; BRCA1- and BRCA2-Associated Hereditary Breast and Ovarian Cancer; Hereditary breast and ovarian cancer; Hereditary breast and ovarian cancer syndrome (HBOC); Hereditary breast and/or ovarian cancer syndrome. Identifiers: Orphanet 145, MedGen C0677776, MeSH D061325, MONDO:0003582. Disease mechanism: loss of function.
Breast-ovarian cancer, familial, susceptibility to, 2 (BROVCA2). Also called: BRCA2 Hereditary Breast and Ovarian Cancer. Identifiers: Orphanet 145, MedGen C2675520, MONDO:0012933, OMIM 612555. Disease mechanism: loss of function.

Allele frequency attached by ClinVar (database versions not stated): gnomAD exomes below 0.00001 and 0.00001; TOPMed 0.00002; gnomAD 0.00003.
gnomAD v4.1: 18 of 1,612,602 alleles (0.0011%); highest among the groups gnomAD compares: African/African-American, 0.0027%; no homozygotes.

Submissions 1 to 12 of 16:

Genomics and Molecular Medicine Service, East Genomic Laboratory Hub, NHS Genomic Medicine Service
Classification: Uncertain significance for Inherited breast cancer and ovarian cancer. Last evaluated: 2026-04-15. Review status: criteria provided, single submitter. Criteria: ACGS Best Practice Guidelines for Variant Classification in Rare Disease 2020. Collection method: clinical testing. Allele origin: germline. Affected: yes.
Comment: PM1_Supporting,BS3_Strong

Labcorp Genetics (formerly Invitae), Labcorp
Classification: Likely benign for Hereditary breast ovarian cancer syndrome. Last evaluated: 2026-01-01. Review status: criteria provided, single submitter. Criteria: Invitae Variant Classification Sherloc (09022015). Collection method: clinical testing. Allele origin: germline.

Quest Diagnostics Nichols Institute San Juan Capistrano
Classification: Uncertain significance. Last evaluated: 2025-08-15. Review status: criteria provided, single submitter. Criteria: Quest Diagnostics criteria. Collection method: clinical testing. Allele origin: unknown.
Comment: The BRCA2 c.9271G>A (p.Val3091Ile) variant has been reported in the published literature in individuals and families with breast and/or ovarian cancer (PMIDs: 35534704 (2022), 32438681 (2020), 27376475 (2016), 24916970 (2015), 22970155 (2012), 21671020 (2011)), pancreatic cancer (PMID: 29360161 (2018)), gastric cancer (PMID: 25583476 (2015)), and ampullary cancer (PMID: 26681674 (2016)). This variant has also been observed in numerous reportedly unaffected individuals (PMIDs: 30287823 (2018), 31396961 (2020), 32467295 (2020), 36243179 (2022), 33471991 (2021), see also LOVD). Experimental studies indicate this variant has neutral effects on DNA recombination and homology-directed repair activities, and was consistent with functionality in a cell proliferation assay (PMIDs: 23328489 (2013), 29884841 (2019), 37731132 (2023), 37922907 (2023)). The frequency of this variant in the general population (Genome Aggregation Database) is uninformative in the assessment of its pathogenicity. Analysis of this variant using bioinformatics tools for the prediction of the effect of amino acid changes on protein structure and function yielded predictions that this variant is benign. Based on the available information, we are unable to determine the clinical significance of this variant.

Molecular Diagnostics Laboratory, Catalan Institute of Oncology
Classification: Likely benign for Hereditary cancer-predisposing syndrome. Last evaluated: 2025-04-09. Review status: criteria provided, single submitter. Criteria: ClinGen BRCA1BRCA2 ACMG Specifications BRCA2 V1.0.0. Collection method: clinical testing. Allele origin: germline.
Comment: BS3, BP4 c.9271G>A, located in exon 25 of the BRCA2 gene, is predicted to result in the substitution of Valine by Isoleucine at codon 3091, p.(Val3091Ile). This variant is found in 1/267391 alleles at a frequency of 0.0004% in the gnomAD v2.1.1 database, non-cancer dataset. The SpliceAI algorithm predicts no significant impact on splicing. The Bayes-Del score for this variant (-0,116) suggests that it does not affect the protein function (BP4). Reported by one calibrated study to affect protein function similar to benign control variants (PMID:33609447) (BS3). This alteration was reported in a multifactorial likelihood analysis showing a Combined LR of 1.07 and tumor pathology LR 1.07 (PMID: 31131967). In addition, the variant has been identified in the ClinVar* database (2x benign, 5x likely benign, 6x uncertain significance), and BRCA Exchange database (not yet reviewed), but it is not present in the LOVD database. Based on the currently available information, c.9271G>A is classified as a likely benign variant according to ClinGen-BRCA2 Guidelines version 1.0.0.

Mendelics
Classification: Likely benign for Hereditary cancer. Last evaluated: 2025-02-27. Review status: criteria provided, single submitter. Criteria: ACMG Guidelines, 2015. Collection method: clinical testing. Allele origin: unknown.
Comment: This variant is considered likely benign or benign based on one or more of the following: it is predicted to be benign by multiple in silico algorithms, and/or has population frequency not consistent with disease, and/or has normal protein function, and/or has lack of segregation with disease, and/or has been detected in co-occurrence with known pathogenic variant, and/or has lack of disease association in case-control studies, and/or is located in a region inconsistent with a known cause of pathogenicity.

All of Us Research Program, National Institutes of Health
Classification: Benign for BRCA2-related cancer predisposition. Last evaluated: 2024-07-10. Review status: criteria provided, single submitter. Criteria: ACMG Guidelines, 2015. Collection method: clinical testing. Allele origin: germline. Inheritance: Autosomal dominant inheritance. Observed: 2 variant alleles, 2 heterozygotes.
Comment: This study involves interpretation of variants in research participants for the purpose of population health screening. Participant phenotype was not available at the time of variant classification. Additional details can be found in publication PMID: 35346344, PMCID: PMC8962531

Laboratorio de Genetica e Diagnostico Molecular, Hospital Israelita Albert Einstein
Classification: Uncertain significance for Breast-ovarian cancer, familial, susceptibility to, 2. Last evaluated: 2021-06-08. Review status: criteria provided, single submitter. Criteria: ACMG Guidelines, 2015. Collection method: clinical testing. Allele origin: germline. Affected: yes.
Comment: ACMG classification criteria: PS4 supporting, PM2 moderate

GeneDx
Classification: Likely benign. Last evaluated: 2020-08-10. Review status: criteria provided, single submitter. Criteria: GeneDx Variant Classification Process June 2021. Collection method: clinical testing. Allele origin: germline. Affected: yes.
Comment: This variant is associated with the following publications: (PMID: 23328489, 24323938, 32438681, 31131967, 30287823, 28726806, 24916970, 25525159, 21671020, 27376475, 26681674, 25583476, 22970155, 29884841)

Women's Health and Genetics/Laboratory Corporation of America, LabCorp
Classification: Uncertain significance. Last evaluated: 2020-07-13. Review status: criteria provided, single submitter. Criteria: LabCorp Variant Classification Summary - May 2015. Collection method: clinical testing. Allele origin: germline.
Comment: Variant summary: BRCA2 c.9271G>A (p.Val3091Ile) results in a conservative amino acid change located in the OB3 fold (IPR015188) of the encoded protein sequence. Four of five in-silico tools predict a benign effect of the variant on protein function. The variant allele was found at a frequency of 4e-06 in 250418 control chromosomes (gnomAD). The available data on variant occurrences in the general population are insufficient to allow any conclusion about variant significance. c.9271G>A has been reported in the literature in individuals affected with Hereditary Breast and Ovarian Cancer, gastric adenocarcinoma and pancreatic cancer (Balia_2011, Kwong_2012, Schenkel_2016, Chen_2015, Peixoto_2014, Dudley_2018, Santonocito_2020), however it was also found in controls (Momozawa_2018, Ko_2020). These reports do not provide unequivocal conclusions about association of the variant with Hereditary Breast and Ovarian Cancer Syndrome. Two functional studies from the same group utilizing homologous recombination assays to evaluate an impact on protein function, provided conflicting results about the variant (Spugnesi_2013, Balia_2011). However, a more recent study utilizing a cell-based homology directed DNA repair activity assay, with an estimated high sensitivity and specificity, determined the variant to be neutral (i.e. not deleterious) (Hart_2019). Seven other clinical diagnostic laboratories have submitted clinical-significance assessments for this variant to ClinVar after 2014 without evidence for independent evaluation, and reported the variant with conflicting assessments (i.e. 3 calling it VUS, 3 as likely benign, and 1 as benign). Based on the evidence outlined above, the variant was classified as VUS-possibly benign.

Department of Pathology and Laboratory Medicine, Sinai Health System
Classification: Uncertain significance for BRCA2-related cancer predisposition. Last evaluated: 2019-10-22. Review status: criteria provided, single submitter. Criteria: ACMG Guidelines, 2015. Collection method: clinical testing. Allele origin: germline.

Ambry Genetics
Classification: Likely benign for Hereditary cancer-predisposing syndrome. Last evaluated: 2018-10-29. Review status: criteria provided, single submitter. Criteria: Ambry Variant Classification Scheme 2023. Collection method: clinical testing. Allele origin: germline.

Color Diagnostics, LLC DBA Color Health
Classification: Benign for Hereditary cancer-predisposing syndrome. Last evaluated: 2017-01-22. Review status: criteria provided, single submitter. Criteria: ACMG Guidelines, 2015. Collection method: clinical testing. Allele origin: germline.

NM_000059.4(BRCA2):c.9271G>A (p.Val3091Ile)

Gene: BRCA2 (BRCA2 DNA repair associated; plus strand). Cytogenetic location: 13q13.1.
Variant type: single nucleotide variant.
Coding change: c.9271G>A on transcript NM_000059.4 (MANE Select); coding-DNA position 9271, G replaced by A.
Protein change: p.Val3091Ile; replaces valine 3091 with isoleucine.
Molecular consequence: missense variant.
Genome position (GRCh38, 1-based): chr13:32,394,703, G>A. VCF-style: chr13-32394703-G-A. GRCh37 (hg19) VCF-style: chr13-32968840-G-A.
Other names: V3091S; p.V3091I:GTC>ATC; 9499G>A; short protein forms V3091I.
Identifiers: ClinVar variation 52798 (VCV000052798.37), dbSNP rs80359194, ClinGen allele CA026076.
Genomic context (GRCh38, chr13:32,394,703, plus strand): 5'-TCTAACACATCTATAATAACATTCTTTTCTTTTTTTTCCATTCTAGGACTTGCCCCTTTC[G>A]TCTATTTGTCAGACGAATGTTACAATTTACTGGCAATAAAGTTTTGGATAGACCTTAATG-3'
Protein context (NP_000050.3, residues 3081-3101): VVKKTGLAPF[Val3091Ile]YLSDECYNLL